The following is an entry in ClinVar:

ClinVar aggregate classification (germline): Likely pathogenic (1 of 4 stars; one submission).

Conditions:
Desbuquois syndrome. Also called: Desbuquois dysplasia. Identifiers: Orphanet 1425, MedGen C0432242, MONDO:0015426.

Submission:

Clinical Genetics and Genomics, Karolinska University Hospital
Classification: Likely pathogenic for Desbuquois syndrome. Last evaluated: 2026-09-28. Review status: criteria provided, single submitter. Criteria: ACMG Guidelines, 2015. Collection method: clinical testing. Allele origin: germline. Inheritance: Autosomal recessive inheritance. Affected: yes. Observed: 1 variant allele, 1 compound heterozygote.
Comment: We identified compound heterozygosity for two variants in FAM20B (NM_014864.4) c.1223del and c.998+6_998+36del (PM3). The variant is absent or in very low frequency in gnomAD (v4.1.1) (PM2_sup). This variant is located in the last exon and RNA sequencing showed no apparent effect on splicing, but it's predicted to lead to a frameshift and extend the protein reading frame by 53 amino acids p.(His408Profs*53). In summary, c.1223del meets our criteria to be classified as likely pathogenic.

NM_014864.4(FAM20B):c.1223del (p.His408fs)

Gene: FAM20B (FAM20B glycosaminoglycan xylosylkinase; plus strand). Cytogenetic location: 1q25.2.
Variant type: Deletion.
Coding change: c.1223del on transcript NM_014864.4 (MANE Select); coding-DNA position 1223, one base deleted (A; older notation c.1223delA).
Protein change: p.His408fs; shifts the reading frame from histidine 408.
Molecular consequence: frameshift variant.
Genome position (GRCh38, 1-based): chr1:179,072,137, A deleted. VCF-style (leftmost placement, unchanged base first): chr1-179072136-CA-C. GRCh37 (hg19) VCF-style: chr1-179041271-CA-C.
Other names: c.1223del, p.His408fs (NM_001324310.2, NM_001324311.2); short protein forms H408fs.
Identifiers: ClinVar variation 5010301 (VCV005010301.1).